The following is an entry in ClinVar:

NM_001145165.2(DOHH):c.95G>T (p.Arg32Leu)

Gene: DOHH (deoxyhypusine hydroxylase; minus strand). Cytogenetic location: 19p13.3.
Variant type: single nucleotide variant.
Coding change: c.95G>T on transcript NM_001145165.2 (MANE Select); coding-DNA position 95, G replaced by T.
Protein change: p.Arg32Leu; replaces arginine 32 with leucine.
Molecular consequence: missense variant.
Genome position (GRCh38, 1-based): chr19:3,496,720, C>A on the plus strand (G>T on the coding strand, the complement: DOHH is on the minus strand). VCF-style: chr19-3496720-C-A. GRCh37 (hg19) VCF-style: chr19-3496718-C-A.
Other names: c.95G>T, p.Arg32Leu (NM_031304.5); short protein forms R32L.
Identifiers: ClinVar variation 4282456 (VCV004282456.1).
Genomic context (GRCh38, chr19:3,496,720, plus strand): 5'-GCGGAATCGTCATCGAAGGCCTGGCTGATCCATGCAATGGCGCCTGGGCCGCCGAGCCCA[C>A]GCAGCGTGAACAGCGCCCGGAAGCGGGCCTGCAGGGGCTGCTTGGGGTCCACCAGCGTCT-3'
Protein context (NP_001138637.1, residues 22-42): QARFRALFTL[Arg32Leu]GLGGPGAIAW

ClinVar aggregate classification (germline): Uncertain significance (1 of 4 stars; one submission).

gnomAD v4.1: 2 of 1,613,244 alleles (0.00012%); highest among the groups gnomAD compares: Non-Finnish European, 0.00017%; no homozygotes.

Submission:

GeneDx
Classification: Uncertain significance. Last evaluated: 2024-04-30. Review status: criteria provided, single submitter. Criteria: GeneDx Variant Classification Process June 2021. Collection method: clinical testing. Allele origin: germline. Affected: yes.
Comment: Not observed at significant frequency in large population cohorts (gnomAD); In silico analysis supports that this missense variant has a deleterious effect on protein structure/function; Has not been previously published as pathogenic or benign to our knowledge; Variants in candidate genes are classified as variants of uncertain significance in accordance with ACMG guidelines (PMID: 25741868)